The following is an entry in ClinVar:

NM_001267550.2(TTN):c.8997C>A (p.Tyr2999Ter)

Gene: TTN (titin; minus strand). Cytogenetic location: 2q31.2.
Variant type: single nucleotide variant.
Coding change: c.8997C>A on transcript NM_001267550.2 (MANE Select); coding-DNA position 8997, C replaced by A.
Protein change: p.Tyr2999Ter; replaces tyrosine 2999 with a stop codon.
Molecular consequence: nonsense.
Genome position (GRCh38, 1-based): chr2:178,768,839, G>T on the plus strand (C>A on the coding strand, the complement: TTN is on the minus strand). VCF-style: chr2-178768839-G-T. GRCh37 (hg19) VCF-style: chr2-179633566-G-T.
Other names: c.8997C>A, p.Tyr2999Ter (NM_001256850.1, NM_133378.4, NM_133379.5); c.8859C>A, p.Tyr2953Ter (NM_003319.4, NM_133432.3, NM_133437.4); short protein forms Y2999*, Y2953*.
Identifiers: ClinVar variation 5031488 (VCV005031488.1).
Genomic context (GRCh38, chr2:178,768,839, plus strand): 5'-TTTGGTTCTCATCTGGCACTTGTCAGTTGATTTGATTTCCACACCATTCTTTAACCATTT[G>T]TAAGAGATGCCTTCATAGTTCACTGTCACCTCAAAAGTAATAGTGTCTTTTTCTTCAGCG-3'

ClinVar aggregate classification (germline): Likely pathogenic (1 of 4 stars; one submission).

Conditions:
Cardiovascular phenotype. Identifiers: MedGen CN230736.

gnomAD v4.1: 1 of 1,613,926 alleles (0.000062%); highest among the groups gnomAD compares: Non-Finnish European, 0.000085%; no homozygotes.

Submission:

Ambry Genetics
Classification: Likely pathogenic for Cardiovascular phenotype. Last evaluated: 2026-08-12. Review status: criteria provided, single submitter. Criteria: Ambry Variant Classification Scheme 2023. Collection method: clinical testing. Allele origin: germline.
Comment: The p.Y2953* variant (also known as c.8859C>A), located in coding exon 36 of the TTN gene, results from a C to A substitution at nucleotide position 8859. This changes the amino acid from a tyrosine to a stop codon within coding exon 36. This exon is located in the I-band region of the N2-B isoform of the titin protein and is constitutively expressed in TTN transcripts (percent spliced in or PSI 100%). This variant is considered to be rare based on population cohorts in the Genome Aggregation Database (gnomAD). This variant is expected to result in loss of function by premature protein truncation or nonsense-mediated mRNA decay. While truncating variants in TTN are present in 1-3% of the general population, truncating variants in the A-band are the most common cause of dilated cardiomyopathy (Herman DS et al. N. Engl. J. Med., 2012 Feb;366:619-28; Roberts AM et al. Sci Transl Med, 2015 Jan;7:270ra6). TTN truncating variants encoded in constitutive exons (PSI >90%) have been found to be significantly associated with DCM regardless of their position in titin (Schafer S et al. Nat. Genet., 2017 01;49:46-53; Akhtar MM et al. Circ Heart Fail, 2020 Oct;13:e006832; Massier M et al. Clin Genet, 2025 Jan). Based on the majority of available evidence to date, this variant is likely to be pathogenic.